The following is an entry in ClinVar:

NM_001204375.2(NPR3):c.1162A>G (p.Ile388Val)

Gene: NPR3 (natriuretic peptide receptor 3; plus strand). Cytogenetic location: 5p13.3.
Variant type: single nucleotide variant.
Coding change: c.1162A>G on transcript NM_001204375.2 (MANE Select); coding-DNA position 1162, A replaced by G.
Protein change: p.Ile388Val; replaces isoleucine 388 with valine.
Molecular consequence: missense variant.
Genome position (GRCh38, 1-based): chr5:32,774,810, A>G. VCF-style: chr5-32774810-A-G. GRCh37 (hg19) VCF-style: chr5-32774916-A-G.
Other names: c.1162A>G, p.Ile388Val (NM_000908.4); c.514A>G, p.Ile172Val (NM_001204376.2, NM_001363652.2); c.442A>G, p.Ile148Val (NM_001364458.2); c.391A>G, p.Ile131Val (NM_001364460.2); short protein forms I388V, I172V, I131V, I148V.
Identifiers: ClinVar variation 2181723 (VCV002181723.1), dbSNP rs754121069, ClinGen allele CA3222561.

ClinVar aggregate classification (germline): Uncertain significance (1 of 4 stars; one submission).

Allele frequency attached by ClinVar (database versions not stated): ExAC 0.00002; gnomAD exomes 0.00003; gnomAD 0.00006; TOPMed 0.00009; 1000 Genomes Project 30x 0.00016.
gnomAD v4.1: 53 of 1,611,440 alleles (0.0033%); highest among the groups gnomAD compares: East Asian, 0.11%; no homozygotes.

Submission:

Labcorp Genetics (formerly Invitae), Labcorp
Classification: Uncertain significance. Last evaluated: 2022-02-09. Review status: criteria provided, single submitter. Criteria: Invitae Variant Classification Sherloc (09022015). Collection method: clinical testing. Allele origin: germline.
Comment: This sequence change replaces isoleucine, which is neutral and non-polar, with valine, which is neutral and non-polar, at codon 388 of the NPR3 protein (p.Ile388Val). This variant is present in population databases (rs754121069, gnomAD 0.08%). This variant has not been reported in the literature in individuals affected with NPR3-related conditions. Algorithms developed to predict the effect of missense changes on protein structure and function (SIFT, PolyPhen-2, Align-GVGD) all suggest that this variant is likely to be tolerated. Experimental studies have shown that this missense change does not substantially affect NPR3 function (PMID: 23493048). In summary, the available evidence is currently insufficient to determine the role of this variant in disease. Therefore, it has been classified as a Variant of Uncertain Significance.

Literature cited by the submitters: PubMed 23493048.